The following is an entry in ClinVar:

ClinVar aggregate classification (germline): Uncertain significance (1 of 4 stars; one submission).

Conditions:
Hereditary cancer-predisposing syndrome. Also called: Neoplastic Syndromes, Hereditary; Tumor predisposition; Hereditary neoplastic syndrome; Hereditary Cancer Syndrome. Identifiers: Orphanet 140162, MedGen C0027672, MeSH D009386, MONDO:0015356.

Submission:

Ambry Genetics
Classification: Uncertain significance for Hereditary cancer-predisposing syndrome. Last evaluated: 2026-07-06. Review status: criteria provided, single submitter. Criteria: Ambry Variant Classification Scheme 2023. Collection method: clinical testing. Allele origin: germline.
Comment: The p.M125L variant (also known as c.373A>T), located in coding exon 3 of the PRKAR1A gene, results from an A to T substitution at nucleotide position 373. The methionine at codon 125 is replaced by leucine, an amino acid with highly similar properties. This amino acid position is conserved. In addition, this alteration is predicted to be deleterious by in silico analysis. Based on the available evidence, the clinical significance of this variant remains unclear.

NM_002734.5(PRKAR1A):c.373A>T (p.Met125Leu)

Gene: PRKAR1A (protein kinase cAMP-dependent type I regulatory subunit alpha; plus strand). Cytogenetic location: 17q24.2.
Variant type: single nucleotide variant.
Coding change: c.373A>T on transcript NM_002734.5 (MANE Select); coding-DNA position 373, A replaced by T.
Protein change: p.Met125Leu; replaces methionine 125 with leucine.
Molecular consequence: missense variant.
Genome position (GRCh38, 1-based): chr17:68,523,749, A>T. VCF-style: chr17-68523749-A-T. GRCh37 (hg19) VCF-style: chr17-66519890-A-T.
Other names: c.373A>T, p.Met125Leu (NM_001369389.1, NM_001369390.1, NM_212471.3 and 4 more transcripts); short protein forms M125L.
Identifiers: ClinVar variation 5027316 (VCV005027316.1).
Genomic context (GRCh38, chr17:68,523,749, plus strand): 5'-TATGGAATTGTCATTTGACCTTCAGTTCTTTTCTAGGTTATACCAAAAGATTACAAGACA[A>T]TGGCCGCTTTAGCCAAAGCCATTGAAAAGAATGTGCTGTTTTCACATCTTGATGATAATG-3'
Protein context (NP_002725.1, residues 115-135): RKVIPKDYKT[Met125Leu]AALAKAIEKN